The following is an entry in ClinVar:

ClinVar aggregate classification (germline): Likely pathogenic (1 of 4 stars; one submission).

Conditions:
Rare genetic deafness. Identifiers: Orphanet 96210, MedGen C5680250.

Submission:

Laboratory for Molecular Medicine, Mass General Brigham Personalized Medicine
Classification: Likely pathogenic for Rare genetic deafness. Last evaluated: 2022-08-26. Review status: criteria provided, single submitter. Criteria: ACMG Guidelines, 2015. Collection method: clinical testing. Allele origin: germline.
Comment: The p.Leu1446IlefsX3 variant in MYO3A has not beed reported in individuals with disease but it has been identified in 1/15272 Latino and in 2/41432 African chromosomes by gnomAD. This variant is predicted to cause a frameshift, which alters the protein’s amino acid sequence beginning at position 1446 and leads to a premature termination codon 3 amino acids downstream. This alteration is then predicted to lead to a truncated or absent protein. Loss of function of the MYO3A gene is an established disease mechanism in autosomal recessive hearing loss. In summary, although additional studies are required to fully establish its clinical significance, this variant meets criteria to be classified as likely pathogenic for autosomal recessive hearing loss. ACMG/AMP Criteria applied: PVS1, PM2_Supporting.

NM_017433.5(MYO3A):c.4335dup (p.Leu1446fs)

Gene: MYO3A (myosin IIIA; plus strand). Cytogenetic location: 10p12.1.
Variant type: Duplication.
Coding change: c.4335dup on transcript NM_017433.5 (MANE Select); coding-DNA position 4335, one base duplicated (A; older notation c.4335dupA).
Protein change: p.Leu1446fs; shifts the reading frame from leucine 1446.
Molecular consequence: frameshift variant.
Genome position (GRCh38, 1-based): chr10:26,176,742, A duplicated; the last of 6 consecutive A bases (chr10:26,176,737-26,176,742); duplicating any one gives the same sequence. VCF-style (leftmost placement, unchanged base first): chr10-26176736-G-GA. GRCh37 (hg19) VCF-style: chr10-26465665-G-GA.
Other names: short protein forms L1446fs.
Identifiers: ClinVar variation 3075880 (VCV003075880.1), dbSNP rs772558362, ClinGen allele CA5445431.
Genomic context (GRCh38, chr10:26,176,736, plus strand): 5'-ACCTGACACATGACCTTCTTTTTAGATATCAAAGTTATCTGAAGAATATTTCATTCTGCA[G>GA]AAAAAATTGAATGAAATGATTTTGTCACAGCAACTGAAGTCACTTTATCTGGGTGTCTCG-3'